The following is an entry in ClinVar:

ClinVar aggregate classification (germline): Uncertain significance (1 of 4 stars; one submission).

Conditions:
Developmental and epileptic encephalopathy, 32 (DEE32). Also called: Epileptic encephalopathy, early infantile, 32. Identifiers: Orphanet 442835, MedGen C4225350, MONDO:0014607, OMIM 616366.

Submission:

Labcorp Genetics (formerly Invitae), Labcorp
Classification: Uncertain significance for Developmental and epileptic encephalopathy, 32. Last evaluated: 2020-10-03. Review status: criteria provided, single submitter. Criteria: Invitae Variant Classification Sherloc (09022015). Collection method: clinical testing. Allele origin: germline.
Comment: In summary, the available evidence is currently insufficient to determine the role of this variant in disease. Therefore, it has been classified as a Variant of Uncertain Significance. Algorithms developed to predict the effect of missense changes on protein structure and function (SIFT, PolyPhen-2, Align-GVGD) all suggest that this variant is likely to be disruptive, but these predictions have not been confirmed by published functional studies and their clinical significance is uncertain. This variant has not been reported in the literature in individuals with KCNA2-related conditions. This variant is not present in population databases (ExAC no frequency). This sequence change replaces proline with serine at codon 156 of the KCNA2 protein (p.Pro156Ser). The proline residue is highly conserved and there is a moderate physicochemical difference between proline and serine.

NM_004974.4(KCNA2):c.466C>T (p.Pro156Ser)

Gene: KCNA2 (potassium voltage-gated channel subfamily A member 2; minus strand). Cytogenetic location: 1p13.3.
Variant type: single nucleotide variant.
Coding change: c.466C>T on transcript NM_004974.4 (MANE Select); coding-DNA position 466, C replaced by T.
Protein change: p.Pro156Ser; replaces proline 156 with serine.
Molecular consequence: missense variant.
Genome position (GRCh38, 1-based): chr1:110,604,317, G>A on the plus strand (C>T on the coding strand, the complement: KCNA2 is on the minus strand). VCF-style: chr1-110604317-G-A. GRCh37 (hg19) VCF-style: chr1-111146939-G-A.
Other names: c.466C>T, p.Pro156Ser (NM_001204269.2); short protein forms P156S.
Identifiers: ClinVar variation 862623 (VCV000862623.10), dbSNP rs1649498927, ClinGen allele CA341605273.